The following is an entry in ClinVar:

NM_001927.4(DES):c.541G>A (p.Asp181Asn)

Gene: DES (desmin; plus strand). Cytogenetic location: 2q35.
Variant type: single nucleotide variant.
Coding change: c.541G>A on transcript NM_001927.4 (MANE Select); coding-DNA position 541, G replaced by A.
Protein change: p.Asp181Asn; replaces aspartic acid 181 with asparagine.
Molecular consequence: missense variant.
Genome position (GRCh38, 1-based): chr2:219,419,003, G>A. VCF-style: chr2-219419003-G-A. GRCh37 (hg19) VCF-style: chr2-220283725-G-A.
Other names: c.541G>A (LRG_380t1); short protein forms D181N.
Identifiers: ClinVar variation 488165 (VCV000488165.3), dbSNP rs1297244198, ClinGen allele CA350686998.
Genomic context (GRCh38, chr2:219,419,003, plus strand): 5'-GAGCTGCGGCGCCAGGTGGAGGTGCTCACTAACCAGCGCGCGCGCGTCGACGTCGAGCGC[G>A]ACAACCTGCTCGACGACCTGCAGCGGCTCAAGGCCAAGTGAGGGCCCGGCACCCCAGACT-3'
Protein context (NP_001918.3, residues 171-191): NQRARVDVER[Asp181Asn]NLLDDLQRLK

ClinVar aggregate classification (germline): Uncertain significance. Review status: criteria provided, multiple submitters, no conflicts (2 of 4 stars). 4 submissions from 2 submitters: Uncertain significance (3). 1 of the submissions does not count toward it. Last evaluated 2024-10-07.

Conditions:
Cardiovascular phenotype. Identifiers: MedGen CN230736.
Desmin-related myofibrillar myopathy (MFM1). Also called: Desminopathy; MYOFIBRILLAR MYOPATHY WITH ARRHYTHMOGENIC RIGHT VENTRICULAR CARDIOMYOPATHY; DESMIN-RELATED MYOPATHY WITH ARRHYTHMOGENIC RIGHT VENTRICULAR CARDIOMYOPATHY; Desmin related myopathy (former name); Desmin storage myopathy (former name); Myofibrillar myopathy 1. Identifiers: Orphanet 363543, Orphanet 98909, MedGen C1832370, MONDO:0011076, OMIM 601419.
Dilated cardiomyopathy 1I (CMD1I). Identifiers: Orphanet 154, MedGen C1858154, MONDO:0011482, OMIM 604765.

Allele frequency attached by ClinVar (database versions not stated): gnomAD 0.00001; gnomAD exomes 0.00001; TOPMed 0.00001.
gnomAD v4.1: 8 of 1,548,028 alleles (0.00052%); highest among the groups gnomAD compares: South Asian, 0.0024%; no homozygotes.

Submissions (4):

Ambry Genetics
Classification: Uncertain significance for Cardiovascular phenotype. Last evaluated: 2024-10-07. Review status: criteria provided, single submitter. Criteria: Ambry Variant Classification Scheme 2023. Collection method: clinical testing. Allele origin: germline.
Comment: The p.D181N variant (also known as c.541G>A), located in coding exon 1 of the DES gene, results from a G to A substitution at nucleotide position 541. The aspartic acid at codon 181 is replaced by asparagine, an amino acid with highly similar properties. This amino acid position is conserved. In addition, this alteration is predicted to be tolerated by in silico analysis. Based on the available evidence, the clinical significance of this variant remains unclear.

Phosphorus, Inc.
Classification: Uncertain significance for Dilated cardiomyopathy 1I. Last evaluated: 2017-08-01. Review status: criteria provided, single submitter. Criteria: ACMG Guidelines, 2015. Collection method: clinical testing. Allele origin: germline. Observed: 1 variant allele.

Phosphorus, Inc.
Classification: Uncertain significance for Desmin-related myofibrillar myopathy. Last evaluated: 2017-08-01. Review status: criteria provided, single submitter. Criteria: ACMG Guidelines, 2015. Collection method: clinical testing. Allele origin: germline. Observed: 2 variant alleles.

Phosphorus, Inc.
Classification: Uncertain significance for Desmin-related myofibrillar myopathy. Last evaluated: 2017-08-01. Review status: flagged submission. Criteria: ACMG Guidelines, 2015. Collection method: clinical testing. Allele origin: germline. Observed: 1 variant allele. Not counted in ClinVar's aggregate classification.
ClinVar note: Reason: This record appears to be redundant with a more recent record from the same submitter.
ClinVar note: Notes: SCV000679859 appears to be redundant with SCV000679860.